The following is an entry in ClinVar:

NM_001430.5(EPAS1):c.2092G>C (p.Ala698Pro)

Gene: EPAS1 (endothelial PAS domain protein 1; plus strand). Cytogenetic location: 2p21.
Variant type: single nucleotide variant.
Coding change: c.2092G>C on transcript NM_001430.5 (MANE Select); coding-DNA position 2092, G replaced by C.
Protein change: p.Ala698Pro; replaces alanine 698 with proline.
Molecular consequence: missense variant.
Genome position (GRCh38, 1-based): chr2:46,381,642, G>C. VCF-style: chr2-46381642-G-C. GRCh37 (hg19) VCF-style: chr2-46608781-G-C.
Other names: short protein forms A698P.
Identifiers: ClinVar variation 4249521 (VCV004249521.2).

ClinVar aggregate classification (germline): Uncertain significance. Review status: criteria provided, multiple submitters, no conflicts (2 of 4 stars). 2 submissions from 2 submitters: Uncertain significance (2). Last evaluated 2026-01-27.

Conditions:
Inborn genetic diseases. Identifiers: MedGen C0950123, MeSH D030342.

gnomAD v4.1: 25 of 1,614,026 alleles (0.0015%); highest among the groups gnomAD compares: African/African-American, 0.031%; no homozygotes.

Submissions (2):

Labcorp Genetics (formerly Invitae), Labcorp
Classification: Uncertain significance. Last evaluated: 2026-01-27. Review status: criteria provided, single submitter. Criteria: Invitae Variant Classification Sherloc (09022015). Collection method: clinical testing. Allele origin: germline.
Comment: This sequence change replaces alanine, which is neutral and non-polar, with proline, which is neutral and non-polar, at codon 698 of the EPAS1 protein (p.Ala698Pro). This variant is present in population databases (rs151285350, gnomAD 0.04%). This variant has not been reported in the literature in individuals affected with EPAS1-related conditions. ClinVar contains an entry for this variant (Variation ID: 4249521). An algorithm developed to predict the effect of missense changes on protein structure and function (PolyPhen-2) suggests that this variant is likely to be disruptive. In summary, the available evidence is currently insufficient to determine the role of this variant in disease. Therefore, it has been classified as a Variant of Uncertain Significance.

Ambry Genetics
Classification: Uncertain significance for Inborn genetic diseases. Last evaluated: 2025-07-01. Review status: criteria provided, single submitter. Criteria: Ambry Variant Classification Scheme 2023. Collection method: clinical testing. Allele origin: germline.